The following is an entry in ClinVar:

NM_024675.4(PALB2):c.2288_2291del (p.His762_Leu763insTer)

Gene: PALB2 (partner and localizer of BRCA2; minus strand). Cytogenetic location: 16p12.2.
Variant type: Deletion.
Coding change: c.2288_2291del on transcript NM_024675.4 (MANE Select); coding-DNA positions 2288 to 2291, 4 bases deleted (TGAA; older notation c.2288_2291delTGAA).
Protein change: p.His762_Leu763insTer.
Molecular consequence: nonsense.
Genome position (GRCh38, 1-based): chr16:23,629,863-23,629,866, TTCA deleted on the plus strand (TGAA on the coding strand, the reverse complement: PALB2 is on the minus strand). VCF-style (leftmost placement, unchanged base first): chr16-23629862-TTTCA-T. GRCh37 (hg19) VCF-style: chr16-23641183-TTTCA-T.
Other names: c.2288_2291delTGAA (NM_024675.3).
Identifiers: ClinVar variation 232125 (VCV000232125.32), dbSNP rs876659571, ClinGen allele CA10579976.

ClinVar aggregate classification (germline): Pathogenic/Likely pathogenic. Review status: criteria provided, multiple submitters, no conflicts (2 of 4 stars). 12 submissions from 11 submitters: Pathogenic (8); Likely pathogenic (2). 2 of the submissions do not count toward it. Last evaluated 2026-06-03.

Conditions:
Hereditary cancer-predisposing syndrome. Also called: Neoplastic Syndromes, Hereditary; Hereditary Cancer Syndrome; Tumor predisposition; Hereditary neoplastic syndrome. Identifiers: Orphanet 140162, MedGen C0027672, MeSH D009386, MONDO:0015356.
Pancreatic cancer, susceptibility to, 3. Identifiers: Orphanet 1333, MedGen C3150547, MONDO:0013236, OMIM 613348.
Breast-ovarian cancer, familial, susceptibility to, 5 (BROVCA5). Identifiers: MedGen C5830615, MONDO:0957530, OMIM 620442.
Familial cancer of breast. Also called: hereditary breast carcinoma; BREAST CANCER, FAMILIAL; Hereditary breast cancer. Identifiers: Orphanet 227535, MedGen C0346153, MONDO:0016419, OMIM 114480. Disease mechanism: loss of function.

Allele frequency attached by ClinVar (database versions not stated): TOPMed 0.00001.

Submissions (12):

Ambry Genetics
Classification: Pathogenic for Hereditary cancer-predisposing syndrome. Last evaluated: 2026-06-03. Review status: criteria provided, single submitter. Criteria: Ambry Variant Classification Scheme 2023. Collection method: clinical testing. Allele origin: germline.
Comment: The c.2288_2291delTGAA (p.L763*) alteration, located in exon 5 (coding exon 5) of the PALB2 gene, consists of a deletion of 4 nucleotides from position 2288 to 2291, causing a translational frameshift with a predicted alternate stop codon (p.L763*). This variant is expected to result in loss of function by premature protein truncation or nonsense-mediated mRNA decay. This variant was not reported in population-based cohorts in the Genome Aggregation Database (gnomAD). Based on the available evidence, this alteration is classified as pathogenic.

Labcorp Genetics (formerly Invitae), Labcorp
Classification: Pathogenic for Familial cancer of breast. Last evaluated: 2025-12-09. Review status: criteria provided, single submitter. Criteria: Invitae Variant Classification Sherloc (09022015). Collection method: clinical testing. Allele origin: germline.
Comment: This sequence change creates a premature translational stop signal (p.Leu763*) in the PALB2 gene. It is expected to result in an absent or disrupted protein product. Loss-of-function variants in PALB2 are known to be pathogenic (PMID: 17200668, 17200671, 17200672, 24136930, 25099575). This variant is not present in population databases (gnomAD no frequency). This variant has not been reported in the literature in individuals affected with PALB2-related conditions. ClinVar contains an entry for this variant (Variation ID: 232125). For these reasons, this variant has been classified as Pathogenic.

GeneDx
Classification: Pathogenic. Last evaluated: 2025-01-25. Review status: criteria provided, single submitter. Criteria: GeneDx Variant Classification Process June 2021. Collection method: clinical testing. Allele origin: germline. Affected: yes.
Comment: Nonsense variant predicted to result in protein truncation or nonsense mediated decay in a gene for which loss of function is a known mechanism of disease; Not observed at significant frequency in large population cohorts (gnomAD); Truncating variants in this gene are considered pathogenic by a well-established clinical consortium and/or database; Observed in individuals with breast and/or ovarian cancer as well as other cancers (PMID: 31921681, 32885271); This variant is associated with the following publications: (PMID: 33471991, 17200672, 24136930, 28569743, 17200671, 25099575, 17200668, 32885271, 35867948, 31921681)

Color Diagnostics, LLC DBA Color Health
Classification: Pathogenic for Hereditary cancer-predisposing syndrome. Last evaluated: 2024-04-29. Review status: criteria provided, single submitter. Criteria: ACMG Guidelines, 2015. Collection method: clinical testing. Allele origin: germline.
Comment: This variant deletes 4 nucleotides in exon 5 of the PALB2 gene, creating a frameshift and premature translation stop signal. This variant is expected to result in an absent or non-functional protein product. This variant has been reported in one individual with hereditary breast and ovarian cancer syndrome (PMID: 31921681). This variant has not been identified in the general population by the Genome Aggregation Database (gnomAD). Loss of PALB2 function is a known mechanism of disease. Based on the available evidence, this variant is classified as Pathogenic.

Baylor Genetics
Classification: Pathogenic for Breast-ovarian cancer, familial, susceptibility to, 5. Last evaluated: 2024-03-19. Review status: criteria provided, single submitter. Criteria: ACMG Guidelines, 2015. Collection method: clinical testing. Allele origin: unknown.

Myriad Genetics, Inc.
Classification: Pathogenic for Familial cancer of breast. Last evaluated: 2023-03-30. Review status: criteria provided, single submitter. Criteria: Myriad Autosomal Dominant, Autosomal Recessive and X-Linked Classification Criteria (2023). Collection method: clinical testing. Allele origin: unknown.
Comment: This variant is considered pathogenic. This variant creates a termination codon and is predicted to result in premature protein truncation.

Baylor Genetics
Classification: Likely pathogenic for Familial cancer of breast. Last evaluated: 2022-11-10. Review status: criteria provided, single submitter. Criteria: ACMG Guidelines, 2015. Collection method: clinical testing. Allele origin: unknown.

Sema4
Classification: Pathogenic for Hereditary cancer-predisposing syndrome. Last evaluated: 2021-09-09. Review status: criteria provided, single submitter. Criteria: Sema4 Curation Guidelines. Collection method: curation. Allele origin: germline.
Comment: The PALB2 c.2288_2291delTGAA (p.L763X) variant has been reported in individuals with gallbladder cancer, breast cancer, and in at least one individual who fulfilled the criteria for hereditary breast and ovarian cancer (PMID: 32885271, 31921681, 33471991). This variant causes a frameshift at amino acid 763 that results in premature termination at the same position. At this location, this is predicted to cause nonsense-mediated decay and result in an absent protein (loss of function). This variant was not observed in the large and broad cohorts of the Genome Aggregation Database (PMID: 32461654). This variant has been reported in ClinVar (Variation ID: 232125). Based on the current evidence available, this variant is interpreted as pathogenic.

Quest Diagnostics Nichols Institute San Juan Capistrano
Classification: Pathogenic. Last evaluated: 2020-09-22. Review status: criteria provided, single submitter. Criteria: Quest Diagnostics criteria. Collection method: clinical testing. Allele origin: unknown.
Comment: This nonsense variant causes the premature termination of PALB2 protein synthesis. It has been reported in at least one individual with hereditary breast and/or ovarian cancer in the published literature (PMID: 31921681 (2019)). Therefore, the variant is classified as pathogenic.

Women's Health and Genetics/Laboratory Corporation of America, LabCorp
Classification: Likely pathogenic for Familial cancer of breast. Last evaluated: 2018-02-27. Review status: criteria provided, single submitter. Criteria: LabCorp Variant Classification Summary - May 2015. Collection method: clinical testing. Allele origin: germline.
Comment: Variant summary: PALB2 c.2288_2291delTGAA (p.Leu763X) results in a premature termination codon, predicted to cause a truncation of the encoded protein or absence of the protein due to nonsense mediated decay, which are commonly known mechanisms for disease. Truncations downstream of this position have been classified as pathogenic by our laboratory (e.g. c.2920_2921delAA (p.Lys974fsX5), c.3113G>A (p.Trp1038X), c.3323delA (p.Tyr1108fsX16)). The variant was absent in 246264 control chromosomes. To our knowledge, no occurrence of c.2288_2291delTGAA in individuals affected with Hereditary Breast and Ovarian Cancer and no experimental evidence demonstrating its impact on protein function have been reported. Five clinical diagnostic laboratories have submitted clinical-significance assessments for this variant to ClinVar after 2014 without evidence for independent evaluation. All laboratories classified the variant as pathogenic/likely pathogenic. Based on the evidence outlined above, the variant was classified as likely pathogenic.

Counsyl
Classification: Likely pathogenic for Familial cancer of breast. Last evaluated: 2017-01-06. Review status: no assertion criteria provided. Collection method: clinical testing. Allele origin: unknown. Not counted in ClinVar's aggregate classification.

Department of Pathology and Laboratory Medicine, Sinai Health System
Classification: Pathogenic for Pancreatic cancer, susceptibility to, 3. Review status: no assertion criteria provided. Collection method: clinical testing. Allele origin: unknown. Affected: yes. Study: The Canadian Open Genetics Repository (COGR). Not counted in ClinVar's aggregate classification.
Comment: The PALB2 p.Leu763* variant was not identified in the literature nor was it identified in the Cosmic, MutDB, LOVD 3.0, or Zhejiang University databases. The variant was identified in dbSNP (ID: rs876659571) as "With Pathogenic allele", and in ClinVar (classified as pathogenic by Ambry Genetics, GeneDx, Invitae and Color Genomics; as likely pathogenic by Counsyl). The variant was not identified in the following control databases: the Exome Aggregation Consortium (August 8th 2016), or the Genome Aggregation Database (Feb 27, 2017). The c.2288_2291del variant leads to a premature stop codon at position 763 which is predicted to lead to a truncated or absent protein and loss of function. Loss of function variants of the PALB2 gene are an established mechanism of disease in PALB2-associated cancer and is the type of variant expected to cause the disorder. The variant occurs outside of the splicing consensus sequence and 1 of 5 in silico or computational prediction software programs (SpliceSiteFinder, MaxEntScan, GeneSplicer) predict a greater than 10% difference in splicing. In summary, based on the above information this variant meets our laboratoryâ€šÃ„Ã´s criteria to be classified as pathogenic.

Literature cited by the submitters: PubMed 17200668 (cited by Labcorp Genetics (formerly Invitae), Labcorp); PubMed 17200671 (cited by Labcorp Genetics (formerly Invitae), Labcorp); PubMed 17200672 (cited by Labcorp Genetics (formerly Invitae), Labcorp); PubMed 24136930 (cited by Labcorp Genetics (formerly Invitae), Labcorp); PubMed 25099575 (cited by Labcorp Genetics (formerly Invitae), Labcorp); PubMed 31921681 (cited by 3 submitters); PubMed 32885271 (cited by Sema4); PubMed 33471991 (cited by Sema4).